The following is an entry in ClinVar:

NM_002609.4(PDGFRB):c.1154G>C (p.Arg385Pro)

Gene: PDGFRB (platelet derived growth factor receptor beta; minus strand). Cytogenetic location: 5q32.
Variant type: single nucleotide variant.
Coding change: c.1154G>C on transcript NM_002609.4 (MANE Select); coding-DNA position 1154, G replaced by C.
Protein change: p.Arg385Pro; replaces arginine 385 with proline.
Molecular consequence: missense variant.
Genome position (GRCh38, 1-based): chr5:150,132,068, C>G on the plus strand (G>C on the coding strand, the complement: PDGFRB is on the minus strand). VCF-style: chr5-150132068-C-G. GRCh37 (hg19) VCF-style: chr5-149511631-C-G.
Other names: c.962G>C, p.Arg321Pro (NM_001355016.2); c.671G>C, p.Arg224Pro (NM_001355017.2); short protein forms R224P, R321P, R385P.
Identifiers: ClinVar variation 2504731 (VCV002504731.1), dbSNP rs375122221, ClinGen allele CA361718464.

ClinVar aggregate classification (germline): Uncertain significance (1 of 4 stars; one submission).

gnomAD v4.1: 1 of 1,608,938 alleles (0.000062%); highest among the groups gnomAD compares: Non-Finnish European, 0.000085%; no homozygotes.

Submission:

GeneDx
Classification: Uncertain significance. Last evaluated: 2022-12-06. Review status: criteria provided, single submitter. Criteria: GeneDx Variant Classification Process June 2021. Collection method: clinical testing. Allele origin: germline. Affected: yes.
Comment: Not observed at significant frequency in large population cohorts (gnomAD); In silico analysis supports that this missense variant has a deleterious effect on protein structure/function; Has not been previously published as pathogenic or benign to our knowledge